The following is an entry in ClinVar:

NM_018486.3(HDAC8):c.624C>G (p.Phe208Leu)

Gene: HDAC8 (histone deacetylase 8; minus strand). Cytogenetic location: Xq13.1.
Variant type: single nucleotide variant.
Coding change: c.624C>G on transcript NM_018486.3 (MANE Select); coding-DNA position 624, C replaced by G.
Protein change: p.Phe208Leu; replaces phenylalanine 208 with leucine.
Molecular consequence: missense variant. On other transcripts: non-coding transcript variant (1), intron variant (3).
Genome position (GRCh38, 1-based): chrX:72,490,933, G>C on the plus strand (C>G on the coding strand, the complement: HDAC8 is on the minus strand). VCF-style: chrX-72490933-G-C. GRCh37 (hg19) VCF-style: chrX-71710783-G-C.
Other names: c.351C>G, p.Phe117Leu (NM_001166418.2, NM_001410728.1); c.624C>G, p.Phe208Leu (NM_001166419.2, NM_001410725.1, NM_001410729.1); c.551-1892C>G (NM_001410727.1, NM_001410730.1); c.278-1892C>G (NM_001166448.2); short protein forms F117L, F208L.
Identifiers: ClinVar variation 3900077 (VCV003900077.1).
Genomic context (GRCh38, chrX:72,490,933, plus strand): 5'-TAGAAGAATTTCAGTATTTAGTCATCAAATGTAATACTGAGTTTATGATCACTTGCCTGG[G>C]AAAAATCCTGGGGAGAATTTGTGCAGGGACACGGTCATGACTTTGGAGGTGAAACTGAAT-3'
Protein context (NP_060956.1, residues 198-218): VSLHKFSPGF[Phe208Leu]PGTGDVSDVG

ClinVar aggregate classification (germline): Uncertain significance (1 of 4 stars; one submission).

Submission:

GeneDx
Classification: Uncertain significance. Last evaluated: 2024-11-20. Review status: criteria provided, single submitter. Criteria: GeneDx Variant Classification Process June 2021. Collection method: clinical testing. Allele origin: germline. Affected: yes.
Comment: Not observed at significant frequency in large population cohorts (gnomAD); In silico analysis supports that this missense variant has a deleterious effect on protein structure/function; Has not been previously published as pathogenic or benign to our knowledge